The following is an entry in ClinVar:

ClinVar aggregate classification (germline): Likely pathogenic. Review status: criteria provided, multiple submitters, no conflicts (2 of 4 stars). 2 submissions from 2 submitters: Likely pathogenic (2). Last evaluated 2022-12-12.

Conditions:
Dilated cardiomyopathy 1G (CMD1G). Identifiers: Orphanet 154, MedGen C1858763, MONDO:0011400, OMIM 604145.
Autosomal recessive limb-girdle muscular dystrophy type 2J (LGMDR10). Also called: MUSCULAR DYSTROPHY, LIMB-GIRDLE, AUTOSOMAL RECESSIVE 10; Limb-girdle muscular dystrophy, type 2J. Identifiers: Orphanet 140922, MedGen C1837342, MONDO:0012127, OMIM 608807.
Cardiovascular phenotype. Identifiers: MedGen CN230736.

Submissions (2):

Ambry Genetics
Classification: Likely pathogenic for Cardiovascular phenotype. Last evaluated: 2022-12-12. Review status: criteria provided, single submitter. Criteria: Ambry Variant Classification Scheme 2023. Collection method: clinical testing. Allele origin: germline.
Comment: The c.42376_42397dup22 variant, located in coding exon 152 of the TTN gene, results from a duplication of AAAACACCAGTTTCCGATCTCA at nucleotide position 42376, causing a translational frameshift with a predicted alternate stop codon (p.R14133Kfs*37). This exon is located in the A-band region of the N2-B isoform of the titin protein and is constitutively expressed in TTN transcripts (percent spliced in or PSI 100%). This variant is considered to be rare based on population cohorts in the Genome Aggregation Database (gnomAD). This alteration is expected to result in loss of function by premature protein truncation or nonsense-mediated mRNA decay. While truncating variants in TTN are present in 1-3% of the general population, truncating variants in the A-band are the most common cause of dilated cardiomyopathy (DCM) (Herman DS et al. N. Engl. J. Med., 2012 Feb;366:619-28; Roberts AM et al. Sci Transl Med, 2015 Jan;7:270ra6). TTN truncating variants encoded in constitutive exons (PSI >90%) have been found to be significantly associated with DCM regardless of their position in titin (Schafer S et al. Nat. Genet., 2017 01;49:46-53). Based on the majority of available evidence to date, this variant is likely to be pathogenic.

Labcorp Genetics (formerly Invitae), Labcorp
Classification: Likely pathogenic for Dilated cardiomyopathy 1G; Autosomal recessive limb-girdle muscular dystrophy type 2J. Last evaluated: 2022-11-24. Review status: criteria provided, single submitter. Criteria: Invitae Variant Classification Sherloc (09022015). Collection method: clinical testing. Allele origin: germline.
Comment: ClinVar contains an entry for this variant (Variation ID: 1501762). This variant is located in the A band of TTN (PMID: 25589632). Truncating variants in this region are significantly overrepresented in patients affected with dilated cardiomyopathy (PMID: 25589632). Truncating variants in this region have also been reported in individuals affected with autosomal recessive centronuclear myopathy (PMID: 23975875). In summary, the currently available evidence indicates that the variant is pathogenic, but additional data are needed to prove that conclusively. Therefore, this variant has been classified as Likely Pathogenic. This variant has not been reported in the literature in individuals affected with TTN-related conditions. This sequence change creates a premature translational stop signal (p.Arg23198Lysfs*37) in the TTN gene. While this is not anticipated to result in nonsense mediated decay, it is expected to create a truncated TTN protein. This variant is not present in population databases (gnomAD no frequency).

Literature cited by the submitters: PubMed 25589632 (cited by Labcorp Genetics (formerly Invitae), Labcorp); PubMed 23975875 (cited by Labcorp Genetics (formerly Invitae), Labcorp).

NM_001267550.2(TTN):c.69571_69592dup (p.Arg23198fs)

Genes: TTN (titin; minus strand), TTN-AS1 (TTN antisense RNA 1; plus strand), LOC126806422 (BRD4-independent group 4 enhancer GRCh37_chr2:179440205-179441404; plus strand). Cytogenetic location: 2q31.2.
Variant type: Duplication.
Coding change: c.69571_69592dup on transcript NM_001267550.2 (MANE Select); coding-DNA positions 69571 to 69592, 22 bases duplicated (AAAACACCAGTTTCCGATCTCA).
Protein change: p.Arg23198fs; shifts the reading frame from arginine 23198.
Molecular consequence: frameshift variant.
Genome position (GRCh38, 1-based): chr2:178,576,652-178,576,673, TGAGATCGGAAACTGGTGTTTT duplicated on the plus strand (AAAACACCAGTTTCCGATCTCA on the coding strand, the reverse complement: TTN is on the minus strand); duplicating any 22 consecutive bases within chr2:178,576,652-178,576,674 gives the same sequence; the c. name uses the placement nearest the transcript's 3' end. VCF-style (leftmost placement, unchanged base first): chr2-178576651-C-CTGAGATCGGAAACTGGTGTTTT. GRCh37 (hg19) VCF-style: chr2-179441378-C-CTGAGATCGGAAACTGGTGTTTT.
Other names: c.42376_42397dupAAAACACCAGTTTCCGATCTCA (NM_003319.4); c.64648_64669dup, p.Arg21557fs (NM_001256850.1); c.42376_42397dup, p.Arg14133fs (NM_003319.4); c.61867_61888dup, p.Arg20630fs (NM_133378.4); c.42751_42772dup, p.Arg14258fs (NM_133432.3); c.42952_42973dup, p.Arg14325fs (NM_133437.4); short protein forms R14325fs, R23198fs, R14133fs, R21557fs, R14258fs, R20630fs.
Identifiers: ClinVar variation 1501762 (VCV001501762.8), dbSNP rs2046499843, ClinGen allele CA1310533704.
Genomic context (GRCh38, chr2:178,576,651, plus strand): 5'-TTTTCTGCACTGACACGGAATTCGTAGGTGCTTCCTTCTTGCAGTCCTGTTACTTTGCAC[C>CTGAGATCGGAAACTGGTGTTTT]TGAGATCGGAAACTGGTGTTTTTATTGCTCTCACCCATCGCAGGCTTTTCTTTTCTCTCC-3'